The following is an entry in ClinVar:

NM_001286.5(CLCN6):c.2588G>A (p.Arg863Lys)

Gene: CLCN6 (chloride voltage-gated channel 6; plus strand). Cytogenetic location: 1p36.22.
Variant type: single nucleotide variant.
Coding change: c.2588G>A on transcript NM_001286.5 (MANE Select); coding-DNA position 2588, G replaced by A.
Protein change: p.Arg863Lys; replaces arginine 863 with lysine.
Molecular consequence: missense variant. On other transcripts: non-coding transcript variant (1).
Genome position (GRCh38, 1-based): chr1:11,840,201, G>A. VCF-style: chr1-11840201-G-A. GRCh37 (hg19) VCF-style: chr1-11900258-G-A.
Other names: c.2522G>A, p.Arg841Lys (NM_001256959.2); short protein forms R863K, R841K.
Identifiers: ClinVar variation 1485829 (VCV001485829.8), dbSNP rs1394334280, ClinGen allele CA338447235.

ClinVar aggregate classification (germline): Uncertain significance (1 of 4 stars; one submission).

Allele frequency attached by ClinVar (database versions not stated): gnomAD exomes below 0.00001; TOPMed below 0.00001.
gnomAD v4.1: 1 of 1,613,408 alleles (0.000062%); highest among the groups gnomAD compares: Non-Finnish European, 0.000085%; no homozygotes.

Submission:

Labcorp Genetics (formerly Invitae), Labcorp
Classification: Uncertain significance. Last evaluated: 2022-07-12. Review status: criteria provided, single submitter. Criteria: Invitae Variant Classification Sherloc (09022015). Collection method: clinical testing. Allele origin: germline.
Comment: This variant has not been reported in the literature in individuals affected with CLCN6-related conditions. This variant is not present in population databases (gnomAD no frequency). This sequence change replaces arginine, which is basic and polar, with lysine, which is basic and polar, at codon 863 of the CLCN6 protein (p.Arg863Lys). ClinVar contains an entry for this variant (Variation ID: 1485829). In summary, the available evidence is currently insufficient to determine the role of this variant in disease. Therefore, it has been classified as a Variant of Uncertain Significance. Algorithms developed to predict the effect of missense changes on protein structure and function are either unavailable or do not agree on the potential impact of this missense change (SIFT: "Deleterious"; PolyPhen-2: "Benign"; Align-GVGD: "Class C0").